The following is an entry in ClinVar:

NM_014974.3(DIP2C):c.361G>A (p.Val121Met)

Gene: DIP2C (DIP2 acetate--CoA ligase C (putative); minus strand). Cytogenetic location: 10p15.3.
Variant type: single nucleotide variant.
Coding change: c.361G>A on transcript NM_014974.3 (MANE Select); coding-DNA position 361, G replaced by A.
Protein change: p.Val121Met; replaces valine 121 with methionine.
Molecular consequence: missense variant.
Genome position (GRCh38, 1-based): chr10:440,904, C>T on the plus strand (G>A on the coding strand, the complement: DIP2C is on the minus strand). VCF-style: chr10-440904-C-T. GRCh37 (hg19) VCF-style: chr10-486844-C-T.
Other names: short protein forms V121M.
Identifiers: ClinVar variation 1973546 (VCV001973546.5), dbSNP rs748869768, ClinGen allele CA5381374.

ClinVar aggregate classification (germline): Uncertain significance (1 of 4 stars; one submission).

Allele frequency attached by ClinVar (database versions not stated): ExAC 0.00002; TOPMed 0.00004; gnomAD 0.00005.
gnomAD v4.1: 27 of 1,613,524 alleles (0.0017%); highest among the groups gnomAD compares: African/African-American, 0.011%; no homozygotes.

Submission:

Labcorp Genetics (formerly Invitae), Labcorp
Classification: Uncertain significance. Last evaluated: 2024-03-04. Review status: criteria provided, single submitter. Criteria: Invitae Variant Classification Sherloc (09022015). Collection method: clinical testing. Allele origin: germline.
Comment: This sequence change replaces valine, which is neutral and non-polar, with methionine, which is neutral and non-polar, at codon 121 of the DIP2C protein (p.Val121Met). The frequency data for this variant in the population databases is considered unreliable, as metrics indicate poor data quality at this position in the gnomAD database. This variant has not been reported in the literature in individuals affected with DIP2C-related conditions. ClinVar contains an entry for this variant (Variation ID: 1973546). An algorithm developed to predict the effect of missense changes on protein structure and function (PolyPhen-2) suggests that this variant is likely to be disruptive. In summary, the available evidence is currently insufficient to determine the role of this variant in disease. Therefore, it has been classified as a Variant of Uncertain Significance.